The following is an entry in ClinVar:

ClinVar aggregate classification (germline): Likely benign (1 of 4 stars; one submission).

Submission:

CeGaT Center for Human Genetics Tuebingen
Classification: Likely benign. Last evaluated: 2026-06-01. Review status: criteria provided, single submitter. Criteria: CeGaT Center For Human Genetics Tuebingen Variant Classification Criteria Version 2. Collection method: clinical testing. Allele origin: germline. Affected: yes. Observed: 1 variant allele.
Comment: KMT2B: BP4

NM_014727.3(KMT2B):c.7111G>A (p.Asp2371Asn)

Gene: KMT2B (lysine methyltransferase 2B; plus strand). Cytogenetic location: 19q13.12.
Variant type: single nucleotide variant.
Coding change: c.7111G>A on transcript NM_014727.3 (MANE Select); coding-DNA position 7111, G replaced by A.
Protein change: p.Asp2371Asn; replaces aspartic acid 2371 with asparagine.
Molecular consequence: missense variant.
Genome position (GRCh38, 1-based): chr19:35,733,824, G>A. VCF-style: chr19-35733824-G-A. GRCh37 (hg19) VCF-style: chr19-36224725-G-A.
Other names: short protein forms D2371N.
Identifiers: ClinVar variation 4872355 (VCV004872355.2).